The following is an entry in ClinVar:

NM_001372066.1(TFAP2A):c.51+8C>T

Genes: TFAP2A (transcription factor AP-2 alpha; minus strand), TFAP2A-AS1 (TFAP2A antisense RNA 1; plus strand). Cytogenetic location: 6p24.3.
Variant type: single nucleotide variant.
Coding change: c.51+8C>T on transcript NM_001372066.1 (MANE Select); 8 bases into the intron after coding-DNA position 51, C replaced by T.
Molecular consequence: intron variant. On other transcripts: non-coding transcript variant (1).
Genome position (GRCh38, 1-based): chr6:10,414,933, G>A on the plus strand (C>T on the coding strand, the complement: TFAP2A is on the minus strand). VCF-style: chr6-10414933-G-A. GRCh37 (hg19) VCF-style: chr6-10415166-G-A.
Other names: NM_003220.2:c.45+8C>T; c.33+4485C>T (NM_001042425.3).
Identifiers: ClinVar variation 745033 (VCV000745033.19), dbSNP rs199883139, ClinGen allele CA3631477.

ClinVar aggregate classification (germline): Benign/Likely benign. Review status: criteria provided, multiple submitters, no conflicts (2 of 4 stars). 4 submissions from 4 submitters: Benign (1); Likely benign (2). 1 of the submissions does not count toward it. Last evaluated 2025-09-01.

Conditions:
TFAP2A-related disorder. Also called: TFAP2A-related condition.

Allele frequency attached by ClinVar (database versions not stated): ExAC 0.00027; gnomAD exomes 0.00027; ESP Exome Variant Server 0.00092; gnomAD 0.00108; 1000 Genomes Project 30x 0.00109; TOPMed 0.00109; 1000 Genomes Project 0.00120.
gnomAD v4.1: 301 of 1,614,014 alleles (0.019%); highest among the groups gnomAD compares: African/African-American, 0.37%; no homozygotes.

Submissions (4):

CeGaT Center for Human Genetics Tuebingen
Classification: Likely benign. Last evaluated: 2025-09-01. Review status: criteria provided, single submitter. Criteria: CeGaT Center For Human Genetics Tuebingen Variant Classification Criteria Version 2. Collection method: clinical testing. Allele origin: germline. Affected: yes. Observed: 1 variant allele.
Comment: TFAP2A: BP4, BS2

Labcorp Genetics (formerly Invitae), Labcorp
Classification: Benign. Last evaluated: 2025-06-12. Review status: criteria provided, single submitter. Criteria: Invitae Variant Classification Sherloc (09022015). Collection method: clinical testing. Allele origin: germline.

Blueprint Genetics
Classification: Likely benign. Last evaluated: 2024-11-13. Review status: criteria provided, single submitter. Criteria: ACMG Guidelines, 2015. Collection method: clinical testing. Allele origin: germline.

PreventionGenetics, part of Exact Sciences
Classification: Likely benign for TFAP2A-related condition. Last evaluated: 2022-05-31. Review status: no assertion criteria provided. Collection method: clinical testing. Allele origin: germline. Not counted in ClinVar's aggregate classification.
Comment: This variant is classified as likely benign based on ACMG/AMP sequence variant interpretation guidelines (Richards et al. 2015 PMID: 25741868, with internal and published modifications).